The following is an entry in ClinVar:

ClinVar aggregate classification (germline): Uncertain significance. Review status: criteria provided, multiple submitters, no conflicts (2 of 4 stars). 6 submissions from 6 submitters: Uncertain significance (5). 1 of the submissions does not count toward it. Last evaluated 2025-10-29.

Conditions:
Cystic fibrosis (CF). Also called: MUCOVISCIDOSIS. Identifiers: Orphanet 586, MedGen C0010674, MONDO:0009061, OMIM 219700. Disease mechanism: loss of function.

Allele frequency attached by ClinVar (database versions not stated): TOPMed 0.00001.
gnomAD v4.1: 9 of 1,613,520 alleles (0.00056%); highest among the groups gnomAD compares: Non-Finnish European, 0.00051%; no homozygotes.

Submissions (6):

Ambry Genetics
Classification: Uncertain significance for Cystic fibrosis. Last evaluated: 2025-10-29. Review status: criteria provided, single submitter. Criteria: Ambry Variant Classification Scheme 2023. Collection method: clinical testing. Allele origin: germline.
Comment: The p.H1197L variant (also known as c.3590A>T), located in coding exon 22 of the CFTR gene, results from an A to T substitution at nucleotide position 3590. The histidine at codon 1197 is replaced by leucine, an amino acid with similar properties. This amino acid position is well conserved in available vertebrate species. In addition, the in silico prediction for this alteration is inconclusive. Based on the available evidence, the clinical significance of this variant remains unclear.

Genome-Nilou Lab
Classification: Uncertain significance for Cystic fibrosis. Last evaluated: 2021-09-05. Review status: criteria provided, single submitter. Criteria: ACMG Guidelines, 2015. Collection method: clinical testing. Allele origin: germline. Affected: no.

Labcorp Genetics (formerly Invitae), Labcorp
Classification: Uncertain significance for Cystic fibrosis. Last evaluated: 2021-08-27. Review status: criteria provided, single submitter. Criteria: Invitae Variant Classification Sherloc (09022015). Collection method: clinical testing. Allele origin: germline.
Comment: This sequence change replaces histidine with leucine at codon 1197 of the CFTR protein (p.His1197Leu). The histidine residue is moderately conserved and there is a moderate physicochemical difference between histidine and leucine. This variant is present in population databases (rs765133036, ExAC 0.002%). This variant has not been reported in the literature in individuals affected with CFTR-related conditions. ClinVar contains an entry for this variant (Variation ID: 632760). Algorithms developed to predict the effect of missense changes on protein structure and function (SIFT, PolyPhen-2, Align-GVGD) all suggest that this variant is likely to be tolerated. In summary, the available evidence is currently insufficient to determine the role of this variant in disease. Therefore, it has been classified as a Variant of Uncertain Significance.

Johns Hopkins Genomics, Johns Hopkins University
Classification: Uncertain significance for Cystic fibrosis. Last evaluated: 2019-10-04. Review status: criteria provided, single submitter. Criteria: ACMG Guidelines, 2015. Collection method: clinical testing. Allele origin: germline.
Comment: This CFTR variant (rs765133036) is rare (<0.1%) in a large population dataset (gnomAD: 2/250456 total alleles; 0.0008%; no homozygotes). A single submitter in ClinVar classifies this variant as a variant of uncertain clinical significance. Two bioinformatics tool predict that this substitution would be tolerated, however the histidine residue at this position is evolutionarily conserved across most species assessed. Bioinformatic analysis predicts that this variant would not affect normal exon 22 splicing (legacy exon 19), although this has not been confirmed experimentally to our knowledge. The clinical significance of c.3590A>T is uncertain at this time.

Women's Health and Genetics/Laboratory Corporation of America, LabCorp
Classification: Uncertain significance. Last evaluated: 2018-05-07. Review status: criteria provided, single submitter. Criteria: LabCorp Variant Classification Summary - May 2015. Collection method: clinical testing. Allele origin: germline.
Comment: Variant summary: CFTR c.3590A>T (p.His1197Leu) results in a non-conservative amino acid change in the encoded protein sequence. Four of five in-silico tools predict a benign effect of the variant on protein function. The variant allele was found at a frequency of 1.1e-05 in 276142 control chromosomes (gnomAD). This frequency is not higher than expected for a pathogenic variant in CFTR causing Cystic Fibrosis (1.1e-05 vs 1.30E-02), allowing no conclusion about variant significance. To our knowledge, no occurrence of c.3590A>T in individuals affected with Cystic Fibrosis and no experimental evidence demonstrating its impact on protein function have been reported. No clinical diagnostic laboratories have submitted clinical-significance assessments for this variant to ClinVar after 2014. Based on the evidence outlined above, the variant was classified as uncertain significance.

Natera, Inc.
Classification: Uncertain significance for Cystic Fibrosis. Last evaluated: 2018-10-23. Review status: no assertion criteria provided. Collection method: clinical testing. Allele origin: germline. Not counted in ClinVar's aggregate classification.

NM_000492.4(CFTR):c.3590A>T (p.His1197Leu)

Genes: CFTR (CF transmembrane conductance regulator; plus strand), CFTR-AS2 (CFTR antisense RNA 2; minus strand). Cytogenetic location: 7q31.2.
Variant type: single nucleotide variant.
Coding change: c.3590A>T on transcript NM_000492.4 (MANE Select); coding-DNA position 3590, A replaced by T.
Protein change: p.His1197Leu; replaces histidine 1197 with leucine.
Molecular consequence: missense variant.
Genome position (GRCh38, 1-based): chr7:117,627,643, A>T. VCF-style: chr7-117627643-A-T. GRCh37 (hg19) VCF-style: chr7-117267697-A-T.
Other names: short protein forms H1197L.
Identifiers: ClinVar variation 632760 (VCV000632760.8), dbSNP rs765133036, ClinGen allele CA4451503.